The following is an entry in ClinVar:

NM_058216.3(RAD51C):c.322G>C (p.Asp108His)

Gene: RAD51C (RAD51 paralog C; plus strand). Cytogenetic location: 17q22.
Variant type: single nucleotide variant.
Coding change: c.322G>C on transcript NM_058216.3 (MANE Select); coding-DNA position 322, G replaced by C.
Protein change: p.Asp108His; replaces aspartic acid 108 with histidine.
Molecular consequence: missense variant. On other transcripts: non-coding transcript variant (2).
Genome position (GRCh38, 1-based): chr17:58,695,107, G>C. VCF-style: chr17-58695107-G-C. GRCh37 (hg19) VCF-style: chr17-56772468-G-C.
Other names: c.322G>C, p.Asp108His (NM_002876.4); c.322G>C (NM_058216.1); short protein forms D108H.
Identifiers: ClinVar variation 577276 (VCV000577276.10), dbSNP rs1567786361, ClinGen allele CA400341218.

ClinVar aggregate classification (germline): Conflicting classifications of pathogenicity. Review status: criteria provided, conflicting classifications (1 of 4 stars). 2 submissions from 2 submitters: Likely pathogenic (1); Uncertain significance (1). Last evaluated 2025-12-30.

Conditions:
Fanconi anemia complementation group O. Also called: RAD51C-Related Fanconi Anemia. Identifiers: Orphanet 84, MedGen C3150653, MONDO:0013248, OMIM 613390.
Hereditary cancer-predisposing syndrome. Also called: Neoplastic Syndromes, Hereditary; Hereditary neoplastic syndrome; Tumor predisposition; Hereditary Cancer Syndrome. Identifiers: Orphanet 140162, MedGen C0027672, MeSH D009386, MONDO:0015356.

Submissions (2):

Ambry Genetics
Classification: Likely pathogenic for Hereditary cancer-predisposing syndrome. Last evaluated: 2025-12-30. Review status: criteria provided, single submitter. Criteria: Ambry Variant Classification Scheme 2023. Collection method: clinical testing. Allele origin: germline.
Comment: The p.D108H variant (also known as c.322G>C), located in coding exon 2 of the RAD51C gene, results from a G to C substitution at nucleotide position 322. The aspartic acid at codon 108 is replaced by histidine, an amino acid with similar properties. In a homology-directed DNA repair (HDR) assay, this alteration showed a functionally abnormal read-out (Olvera-Le&oacute;n R et al. Cell, 2024 Oct;187:5719-5734.e19). This amino acid position is highly conserved in available vertebrate species. In addition, this alteration is predicted to be deleterious by in silico analysis. This variant is considered to be rare based on population cohorts in the Genome Aggregation Database (gnomAD). Based on the majority of available evidence to date, this variant is likely to be pathogenic.

Labcorp Genetics (formerly Invitae), Labcorp
Classification: Uncertain significance for Fanconi anemia complementation group O. Last evaluated: 2025-04-11. Review status: criteria provided, single submitter. Criteria: Invitae Variant Classification Sherloc (09022015). Collection method: clinical testing. Allele origin: germline.
Comment: This sequence change replaces aspartic acid, which is acidic and polar, with histidine, which is basic and polar, at codon 108 of the RAD51C protein (p.Asp108His). This variant is not present in population databases (gnomAD no frequency). This variant has not been reported in the literature in individuals affected with RAD51C-related conditions. ClinVar contains an entry for this variant (Variation ID: 577276). Invitae Evidence Modeling of protein sequence and biophysical properties (such as structural, functional, and spatial information, amino acid conservation, physicochemical variation, residue mobility, and thermodynamic stability) indicates that this missense variant is expected to disrupt RAD51C protein function with a positive predictive value of 80%. In summary, the available evidence is currently insufficient to determine the role of this variant in disease. Therefore, it has been classified as a Variant of Uncertain Significance.

Literature cited by the submitters: PubMed 39299233 (cited by Ambry Genetics).